The following is an entry in ClinVar:

ClinVar aggregate classification (germline): Conflicting classifications of pathogenicity. Review status: criteria provided, conflicting classifications (1 of 4 stars). 13 submissions from 13 submitters: Uncertain significance (5); Benign (1); Likely benign (7). Last evaluated 2026-01-31.

Conditions:
Hereditary cancer-predisposing syndrome. Also called: Tumor predisposition; Hereditary neoplastic syndrome; Neoplastic Syndromes, Hereditary; Hereditary Cancer Syndrome. Identifiers: Orphanet 140162, MedGen C0027672, MeSH D009386, MONDO:0015356.
Fanconi anemia complementation group J. Also called: BRIP1-Related Fanconi Anemia. Identifiers: Orphanet 84, MedGen C1836860, MONDO:0012187, OMIM 609054.
Familial cancer of breast. Also called: hereditary breast carcinoma; Hereditary breast cancer; BREAST CANCER, FAMILIAL. Identifiers: Orphanet 227535, MedGen C0346153, MONDO:0016419, OMIM 114480. Disease mechanism: loss of function.
Hereditary breast ovarian cancer syndrome. Also called: Hereditary breast and ovarian cancer; BRCA1- and BRCA2-Associated Hereditary Breast and Ovarian Cancer; Hereditary breast and/or ovarian cancer syndrome; Hereditary breast and ovarian cancer syndrome; Hereditary breast and ovarian cancer syndrome (HBOC); Breast and ovarian cancer. Identifiers: Orphanet 145, MedGen C0677776, MeSH D061325, MONDO:0003582. Disease mechanism: loss of function.

Allele frequency attached by ClinVar (database versions not stated): ExAC 0.00005; gnomAD 0.00005 and 0.00006; TOPMed 0.00005; gnomAD exomes 0.00006 and 0.00008.
gnomAD v4.1: 121 of 1,613,598 alleles (0.0075%); highest among the groups gnomAD compares: Non-Finnish European, 0.0099%; no homozygotes.

Submissions (13):

Labcorp Genetics (formerly Invitae), Labcorp
Classification: Likely benign for Familial cancer of breast; Fanconi anemia complementation group J. Last evaluated: 2026-01-31. Review status: criteria provided, single submitter. Criteria: Invitae Variant Classification Sherloc (09022015). Collection method: clinical testing. Allele origin: germline.

Quest Diagnostics Nichols Institute San Juan Capistrano
Classification: Uncertain significance. Last evaluated: 2025-01-02. Review status: criteria provided, single submitter. Criteria: Quest Diagnostics criteria. Collection method: clinical testing. Allele origin: unknown.
Comment: The BRIP1 c.1629-3T>C variant has been reported in the published literature in individuals affected with breast cancer (PMID: 35264596 (2022)), and in an individual without a cancer diagnosis undergoing whole-exome sequencing (WES) analysis for neurodevelopmental disorders (PMID: 31422574 (2019)). The frequency of this variant in the general population (Genome Aggregation Database) is uninformative in the assessment of its pathogenicity. Analysis of this variant using software algorithms for the prediction of the effect of nucleotide changes on splicing yielded predictions that this variant does not affect BRIP1 mRNA splicing. Based on the available information, we are unable to determine the clinical significance of this variant.

Blueprint Genetics
Classification: Likely benign. Last evaluated: 2024-10-14. Review status: criteria provided, single submitter. Criteria: ACMG Guidelines, 2015. Collection method: clinical testing. Allele origin: germline.

Myriad Genetics, Inc.
Classification: Likely benign for Familial cancer of breast. Last evaluated: 2024-08-28. Review status: criteria provided, single submitter. Criteria: Myriad Autosomal Dominant, Autosomal Recessive and X-Linked Classification Criteria (2023). Collection method: clinical testing. Allele origin: unknown.
Comment: This variant is considered likely benign. This variant is intronic and is not expected to impact mRNA splicing.

Women's Health and Genetics/Laboratory Corporation of America, LabCorp
Classification: Likely benign. Last evaluated: 2024-05-06. Review status: criteria provided, single submitter. Criteria: LabCorp Variant Classification Summary - May 2015. Collection method: clinical testing. Allele origin: germline.
Comment: Variant summary: BRIP1 c.1629-3T>C alters a non-conserved nucleotide located close to a canonical splice site and therefore could affect mRNA splicing, leading to a significantly altered protein sequence. Consensus agreement among computation tools predict no significant impact on normal splicing. However, these predictions have yet to be confirmed by functional studies. The variant allele was found at a frequency of 7.5e-05 in 1613598 control chromosomes, predominantly at a frequency of 9.9e-05 within the Non-Finnish European subpopulation in the gnomAD database. The observed variant frequency within Non-Finnish European control individuals in the gnomAD database is approximately 1.6 fold of the estimated maximal expected allele frequency for a pathogenic variant in BRIP1 causing Hereditary Breast And Ovarian Cancer Syndrome phenotype (6.3e-05), strongly suggesting that the variant is a benign polymorphism found primarily in populations of Non-Finnish European origin. c.1629-3T>C has been reported in the literature in at least one individual affected with Ovarian Cancer (e.g. Delahunty_2022), and individuals affected with breast cancer, reported as a VUS (e.g. Guindalini_2022), all without evidence of causality. These report(s) do not provide unequivocal conclusions about association of the variant with Hereditary Breast And Ovarian Cancer Syndrome. To our knowledge, no experimental evidence demonstrating an impact on protein function has been reported. The following publications have been ascertained in the context of this evaluation (PMID: 35263119, 35264596, 31422574). ClinVar contains an entry for this variant (Variation ID: 136144). Based on the evidence outlined above, the variant was classified as likely benign.

St. Jude Molecular Pathology, St. Jude Children's Research Hospital
Classification: Uncertain significance for Familial cancer of breast. Last evaluated: 2023-12-24. Review status: criteria provided, single submitter. Criteria: St. Jude Assertion Criteria 2020. Collection method: clinical testing. Allele origin: germline.
Comment: The BRIP1 c.1629-3T>C intronic change results from a T to C substitution at the -3 position of intron 11 of the BRIP1 gene. Algorithms that predict the impact of sequence changes on splicing indicate that this variant does not affect splicing. Internal RNA data shows that this variant does not affect splicing. This variant has a maximum subpopulation frequency of 0.011% in gnomAD v2.1.1. To our knowledge, this variant has not been reported in individuals with hereditary breast and ovarian cancer syndrome or Fanconi anemia. In summary, the evidence currently available is insufficient to determine the clinical significance of this variant. It has therefore been classified as of uncertain significance.

German Consortium for Hereditary Breast and Ovarian Cancer, University Hospital Cologne
Classification: Likely benign for Hereditary breast ovarian cancer syndrome. Last evaluated: 2023-10-12. Review status: criteria provided, single submitter. Criteria: ACMG Guidelines, 2015. Collection method: curation. Allele origin: germline.
Comment: BP4, BP6. According to the ACMG standard criteria we chose these criteria: BP4 (supporting benign): Splice AI: acceptor loss: 0.01 Alamut: 2/4 acceptor strengthening; 2/4 no effect, BP6 (supporting benign): ClinVar: 4xVUS, 4x likely benign, 1x benign / Ambry 2019: likely benign (is classified as likely benign based on a combination of the following: ..., RNA analysis, …)

Sema4
Classification: Uncertain significance for Hereditary cancer-predisposing syndrome. Last evaluated: 2021-10-27. Review status: criteria provided, single submitter. Criteria: Sema4 Curation Guidelines. Collection method: curation. Allele origin: germline.
Comment: The BRIP1 c.1629-3T>C variant has not been reported in literature to our knowledge. This variant was observed in 14/129050 chromosomes in Non-Finnish European population according to the Genome Aggregation Database (PMID: 32461654). This variant has been reported in ClinVar (Variation ID 136144). This variant does not overlap a splice site and algorithms developed to predict the effect of sequence changes on RNA splicing do not suggest negative effect on normal splicing. The overall evidence is insufficient to meet ACMG/AMP criteria for classifying it as benign or pathogenic. In summary, the clinical significance of this variant is currently uncertain.

Genetic Services Laboratory, University of Chicago
Classification: Uncertain significance. Last evaluated: 2021-08-09. Review status: criteria provided, single submitter. Criteria: ACMG Guidelines, 2015. Collection method: clinical testing. Allele origin: germline. Affected: no.
Comment: DNA sequence analysis of the BRIP1 gene demonstrated a sequence change in intron 11, c.1629-3T>C. This change does not appear to have been previously described in patients with BRIP1-related disorders. It has been described in the gnomAD database with a low overall frequency of 0.005% in general population and 0.011% in non-Finnish European sub population (dbSNP rs587780828). This sequence change is not clearly predicted to have a deleterious effect on splicing based on in silico splice prediction programs. It is possible that this sequence change represents a benign sequence change in the BRIP1 gene. The functional significance of this sequence change is not known at present and its contribution to this patient's disease phenotype cannot definitively be determined.

Ambry Genetics
Classification: Likely benign for Hereditary cancer-predisposing syndrome. Last evaluated: 2019-10-02. Review status: criteria provided, single submitter. Criteria: Ambry Variant Classification Scheme 2023. Collection method: clinical testing. Allele origin: germline.

Revvity Omics, Revvity
Classification: Uncertain significance for Fanconi anemia complementation group J. Last evaluated: 2019-06-26. Review status: criteria provided, single submitter. Criteria: ACMG Guidelines, 2015. Collection method: clinical testing. Allele origin: germline.

Color Diagnostics, LLC DBA Color Health
Classification: Likely benign for Hereditary cancer-predisposing syndrome. Last evaluated: 2015-08-04. Review status: criteria provided, single submitter. Criteria: ACMG Guidelines, 2015. Collection method: clinical testing. Allele origin: germline.

GeneDx
Classification: Benign. Last evaluated: 2014-03-19. Review status: criteria provided, single submitter. Criteria: GeneDx Variant Classification (06012015). Collection method: clinical testing. Allele origin: germline. Affected: yes.
Comment: This variant is considered likely benign or benign based on one or more of the following criteria: it is a conservative change, it occurs at a poorly conserved position in the protein, it is predicted to be benign by multiple in silico algorithms, and/or has population frequency not consistent with disease.

Literature cited by the submitters: PubMed 31422574 (cited by Quest Diagnostics Nichols Institute San Juan Capistrano and Women's Health and Genetics/Laboratory Corporation of America, LabCorp); PubMed 35264596 (cited by Quest Diagnostics Nichols Institute San Juan Capistrano and Women's Health and Genetics/Laboratory Corporation of America, LabCorp); PubMed 35263119 (cited by Women's Health and Genetics/Laboratory Corporation of America, LabCorp).

NM_032043.3(BRIP1):c.1629-3T>C

Gene: BRIP1 (BRCA1 interacting DNA helicase 1; minus strand). Cytogenetic location: 17q23.2.
Variant type: single nucleotide variant.
Coding change: c.1629-3T>C on transcript NM_032043.3 (MANE Select); 3 bases into the intron before coding-DNA position 1629, T replaced by C.
Molecular consequence: intron variant.
Genome position (GRCh38, 1-based): chr17:61,781,008, A>G on the plus strand (T>C on the coding strand, the complement: BRIP1 is on the minus strand). VCF-style: chr17-61781008-A-G. GRCh37 (hg19) VCF-style: chr17-59858369-A-G.
Identifiers: ClinVar variation 136144 (VCV000136144.37), dbSNP rs587780828, ClinGen allele CA294179.